The following is an entry in ClinVar:

ClinVar aggregate classification (germline): Uncertain significance (1 of 4 stars; one submission).

Submission:

GeneDx
Classification: Uncertain significance. Last evaluated: 2022-08-03. Review status: criteria provided, single submitter. Criteria: GeneDx Variant Classification Process June 2021. Collection method: clinical testing. Allele origin: germline. Affected: yes.
Comment: Not observed at significant frequency in large population cohorts (gnomAD); In-frame insertion of 2 amino acids in a non-repeat region; Has not been previously published as pathogenic or benign to our knowledge

NM_001111125.3(IQSEC2):c.1963GCCCCA[3] (p.Pro658_Pro659insAlaPro)

Gene: IQSEC2 (IQ motif and Sec7 domain ArfGEF 2; minus strand). Cytogenetic location: Xp11.22.
Variant type: Microsatellite.
Coding change: c.1963GCCCCA[3] on transcript NM_001111125.3 (MANE Select); three copies in a row of the 6-base unit GCCCCA starting at c.1963; the reference has two copies in a row; one copy, 6 bases duplicated.
Protein change: p.Pro658_Pro659insAlaPro.
Molecular consequence: inframe insertion. On other transcripts: inframe indel (1).
Genome position (GRCh38, 1-based): chrX:53,250,602-53,250,607, TGGGGC duplicated on the plus strand (GCCCCA on the coding strand, the reverse complement: IQSEC2 is on the minus strand); duplicating any 6 consecutive bases within chrX:53,250,602-53,250,617 gives the same sequence; the position shown is the placement nearest the transcript's 3' end. VCF-style (leftmost placement, unchanged base first): chrX-53250601-G-GTGGGGC. GRCh37 (hg19) VCF-style: chrX-53279783-G-GTGGGGC.
Other names: c.1959_1964CCCAGC[3], p.Pro658_Pro659insAlaPro (NM_001410736.1); c.1348GCCCCA[3], p.Pro453_Pro454insAlaPro (NM_015075.2).
Identifiers: ClinVar variation 2428829 (VCV002428829.3), dbSNP rs2519801210, ClinGen allele CA2580617057.